The following is an entry in ClinVar:

ClinVar aggregate classification (germline): Likely pathogenic (1 of 4 stars; one submission).

Conditions:
Hereditary cancer-predisposing syndrome. Also called: Hereditary Cancer Syndrome; Hereditary neoplastic syndrome; Neoplastic Syndromes, Hereditary; Tumor predisposition. Identifiers: Orphanet 140162, MedGen C0027672, MeSH D009386, MONDO:0015356.

Submission:

Ambry Genetics
Classification: Likely pathogenic for Hereditary cancer-predisposing syndrome. Last evaluated: 2025-06-16. Review status: criteria provided, single submitter. Criteria: Ambry Variant Classification Scheme 2023. Collection method: clinical testing. Allele origin: germline.
Comment: The c.92delC variant, located in coding exon 1 of the BRIP1 gene, results from a deletion of one nucleotide at nucleotide position 92, causing a translational frameshift with a predicted alternate stop codon (p.S31Lfs*6). The predicted stop codon occurs in the 5&rsquo; end of theBRIP1 gene. Premature termination codons in the 5&rsquo; end of a gene have been reported to escape nonsense-mediated mRNAdecay and/or lead to re-initiation (Rivas et al. Science. 2015 May 8;348(6235):666-9; Lindeboom et al. Nat Genet. 2016 Oct;48(10):1112-8; Rhee et al. Sci Rep. 2017 May 10;7(1):1653). Direct evidence for this alteration is unavailable, however premature termination codons are typically deleterious in nature. This variant is considered to be rare based on population cohorts in the Genome Aggregation Database (gnomAD). Based on the majority of available evidence to date, this variant is likely to be pathogenic.

NM_032043.3(BRIP1):c.92del (p.Ser31fs)

Gene: BRIP1 (BRCA1 interacting DNA helicase 1; minus strand). Cytogenetic location: 17q23.2.
Variant type: Deletion.
Coding change: c.92del on transcript NM_032043.3 (MANE Select); coding-DNA position 92, one base deleted (C; older notation c.92delC).
Protein change: p.Ser31fs; shifts the reading frame from serine 31.
Molecular consequence: frameshift variant.
Genome position (GRCh38, 1-based): chr17:61,861,448, G deleted on the plus strand (C on the coding strand, the reverse complement: BRIP1 is on the minus strand). VCF-style (leftmost placement, unchanged base first): chr17-61861447-AG-A. GRCh37 (hg19) VCF-style: chr17-59938808-AG-A.
Other names: short protein forms S31fs.
Identifiers: ClinVar variation 4216242 (VCV004216242.1).